The following is an entry in ClinVar:

NM_024989.4(PGAP1):c.2441G>A (p.Arg814His)

Gene: PGAP1 (post-GPI attachment to proteins inositol deacylase 1; minus strand). Cytogenetic location: 2q33.1.
Variant type: single nucleotide variant.
Coding change: c.2441G>A on transcript NM_024989.4 (MANE Select); coding-DNA position 2441, G replaced by A.
Protein change: p.Arg814His; replaces arginine 814 with histidine.
Molecular consequence: missense variant.
Genome position (GRCh38, 1-based): chr2:196,843,972, C>T on the plus strand (G>A on the coding strand, the complement: PGAP1 is on the minus strand). VCF-style: chr2-196843972-C-T. GRCh37 (hg19) VCF-style: chr2-197708696-C-T.
Other names: c.1919G>A, p.Arg640His (NM_001321099.2); c.1274G>A, p.Arg425His (NM_001321100.2); c.2441G>A (NM_024989.3); short protein forms R640H, R814H, R425H.
Identifiers: ClinVar variation 2106220 (VCV002106220.6), dbSNP rs754305866, ClinGen allele CA2040626.

ClinVar aggregate classification (germline): Uncertain significance. Review status: criteria provided, multiple submitters, no conflicts (2 of 4 stars). 3 submissions from 3 submitters: Uncertain significance (3). Last evaluated 2024-11-20.

Conditions:
Intellectual disability, autosomal recessive 42 (NEDDSBA). Also called: Neurodevelopmental disorder with dysmorphic features, spasticity, and brain abnormalities; GLYCOSYLPHOSPHATIDYLINOSITOL BIOSYNTHESIS DEFECT 9. Identifiers: Orphanet 88616, MedGen C4014343, MONDO:0014348, OMIM 615802.
Inborn genetic diseases. Identifiers: MedGen C0950123, MeSH D030342.

Allele frequency attached by ClinVar (database versions not stated): TOPMed below 0.00001; gnomAD 0.00001; ExAC 0.00002.
gnomAD v4.1: 44 of 1,607,826 alleles (0.0027%); highest among the groups gnomAD compares: Non-Finnish European, 0.0034%; no homozygotes.

Submissions (3):

Ambry Genetics
Classification: Uncertain significance for Inborn genetic diseases. Last evaluated: 2024-11-20. Review status: criteria provided, single submitter. Criteria: Ambry Variant Classification Scheme 2023. Collection method: clinical testing. Allele origin: germline.

Greenwood Genetic Center Diagnostic Laboratories, Greenwood Genetic Center
Classification: Uncertain significance. Last evaluated: 2023-11-06. Review status: criteria provided, single submitter. Criteria: ACMG Guidelines, 2015. Collection method: clinical testing. Allele origin: germline. Affected: yes.
Comment: PM2

Labcorp Genetics (formerly Invitae), Labcorp
Classification: Uncertain significance for Intellectual disability, autosomal recessive 42. Last evaluated: 2022-03-20. Review status: criteria provided, single submitter. Criteria: Invitae Variant Classification Sherloc (09022015). Collection method: clinical testing. Allele origin: germline.
Comment: This sequence change replaces arginine, which is basic and polar, with histidine, which is basic and polar, at codon 814 of the PGAP1 protein (p.Arg814His). In summary, the available evidence is currently insufficient to determine the role of this variant in disease. Therefore, it has been classified as a Variant of Uncertain Significance. Algorithms developed to predict the effect of missense changes on protein structure and function output the following: SIFT: "Tolerated"; PolyPhen-2: "Benign"; Align-GVGD: "Class C0". The histidine amino acid residue is found in multiple mammalian species, which suggests that this missense change does not adversely affect protein function. This variant has not been reported in the literature in individuals affected with PGAP1-related conditions. This variant is present in population databases (rs754305866, gnomAD 0.003%).